The following is an entry in ClinVar:

ClinVar aggregate classification (germline): Pathogenic (1 of 4 stars; one submission).

Conditions:
Mucopolysaccharidosis, MPS-II (MPS2). Also called: Hunter Syndrome; IDURONATE 2-SULFATASE DEFICIENCY; Mucopolysaccharidosis Type II; Mucopolysaccharidosis type 2; Attenuated MPS (subtype; formerly known as mild MPS II); Severe MPS II. Identifiers: Orphanet 580, Orphanet 79388, MedGen C0026705, MONDO:0010674, OMIM 309900.

Submission:

Laboratory of Diagnosis and Therapy of Lysosomal Disorders, University of Padova
Classification: Pathogenic for Mucopolysaccharidosis, MPS-II. Last evaluated: 2024-06-07. Review status: criteria provided, single submitter. Criteria: ACMG Guidelines, 2015. Collection method: literature only. Allele origin: germline. Affected: yes. Observed: 2 variant alleles.
Comment: Absent from controls (or at low frequency) in gnomAD database (PM2_Moderate), Missense change at the same amino acid residue as a pathogenic variant (PM5_Moderate), Missense variant in a gene with a low rate of benign missense variation (PP2_Supporting), Multiple lines of computational evidence support a deleterious effect (PP3_Supporting), Patient’s phenotype or family history highly specific for the disease (PP4_Strong)

Classification method: ACMG Guidelines [PMID:25741868] with modifications

Literature cited by the submitters: PubMed 9660053; PubMed 18500569.

NM_000202.8(IDS):c.442G>C (p.Asp148His)

Genes: IDS (iduronate 2-sulfatase; minus strand), LOC106050102 (IDS recombination region; plus strand). Cytogenetic location: Xq28.
Variant type: single nucleotide variant.
Coding change: c.442G>C on transcript NM_000202.8 (MANE Select); coding-DNA position 442, G replaced by C.
Protein change: p.Asp148His; replaces aspartic acid 148 with histidine.
Molecular consequence: missense variant. On other transcripts: non-coding transcript variant (1).
Genome position (GRCh38, 1-based): chrX:149,501,014, C>G on the plus strand (G>C on the coding strand, the complement: IDS is on the minus strand). VCF-style: chrX-149501014-C-G. GRCh37 (hg19) VCF-style: chrX-148582545-C-G.
Other names: c.172G>C, p.Asp58His (NM_001166550.4); c.442G>C, p.Asp148His (NM_006123.5); short protein forms D148H, D58H.
Identifiers: ClinVar variation 3255729 (VCV003255729.2).